The following is an entry in ClinVar:

ClinVar aggregate classification (germline): Uncertain significance (1 of 4 stars; one submission).

Conditions:
RASopathy. Also called: rasopathies; Noonan spectrum disorder. Identifiers: Orphanet 536391, MedGen C5555857, MONDO:0021060.

Submission:

Labcorp Genetics (formerly Invitae), Labcorp
Classification: Uncertain significance for RASopathy. Last evaluated: 2025-07-06. Review status: criteria provided, single submitter. Criteria: Invitae Variant Classification Sherloc (09022015). Collection method: clinical testing. Allele origin: germline.
Comment: This sequence change replaces isoleucine, which is neutral and non-polar, with threonine, which is neutral and polar, at codon 280 of the SHOC2 protein (p.Ile280Thr). This variant is not present in population databases (gnomAD no frequency). This variant has not been reported in the literature in individuals affected with SHOC2-related conditions. An algorithm developed to predict the effect of missense changes on protein structure and function (PolyPhen-2) suggests that this variant is likely to be disruptive. In summary, the available evidence is currently insufficient to determine the role of this variant in disease. Therefore, it has been classified as a Variant of Uncertain Significance.

NM_007373.4(SHOC2):c.839T>C (p.Ile280Thr)

Gene: SHOC2 (SHOC2 leucine rich repeat scaffold protein; plus strand). Cytogenetic location: 10q25.2.
Variant type: single nucleotide variant.
Coding change: c.839T>C on transcript NM_007373.4 (MANE Select); coding-DNA position 839, T replaced by C.
Protein change: p.Ile280Thr; replaces isoleucine 280 with threonine.
Molecular consequence: missense variant. On other transcripts: 5 prime UTR variant (2), non-coding transcript variant (1), intron variant (3).
Genome position (GRCh38, 1-based): chr10:110,985,763, T>C. VCF-style: chr10-110985763-T-C. GRCh37 (hg19) VCF-style: chr10-112745521-T-C.
Other names: c.839T>C, p.Ile280Thr (NM_001324336.2, NM_001324337.2, NM_001441184.1 and 2 more transcripts); c.170T>C, p.Ile57Thr (NM_001441188.1); c.-245T>C (NM_001441190.1); c.-114T>C (NM_001441191.1); c.704-14652T>C (NM_001441186.1, NM_001269039.3); c.-242-14652T>C (NM_001441189.1); short protein forms I280T, I57T.
Identifiers: ClinVar variation 4750364 (VCV004750364.1).